The following is an entry in ClinVar:

ClinVar aggregate classification (germline): Uncertain significance (1 of 4 stars; one submission).

Conditions:
Combined oxidative phosphorylation defect type 27. Also called: Combined oxidative phosphorylation deficiency 27. Identifiers: Orphanet 477774, MedGen C5567608, MONDO:0014728, OMIM 616672.

Allele frequency attached by ClinVar (database versions not stated): gnomAD exomes below 0.00001; TOPMed below 0.00001.

Submission:

Labcorp Genetics (formerly Invitae), Labcorp
Classification: Uncertain significance for Combined oxidative phosphorylation deficiency 27. Last evaluated: 2019-11-07. Review status: criteria provided, single submitter. Criteria: Invitae Variant Classification Sherloc (09022015). Collection method: clinical testing. Allele origin: germline.
Comment: This sequence change replaces leucine with phenylalanine at codon 88 of the CARS2 protein (p.Leu88Phe). The leucine residue is highly conserved and there is a small physicochemical difference between leucine and phenylalanine. This variant is not present in population databases (ExAC no frequency). This variant has not been reported in the literature in individuals with CARS2-related conditions. Algorithms developed to predict the effect of missense changes on protein structure and function are either unavailable or do not agree on the potential impact of this missense change (SIFT: "Deleterious"; PolyPhen-2: "Probably Damaging"; Align-GVGD: "Class C0"). In summary, the available evidence is currently insufficient to determine the role of this variant in disease. Therefore, it has been classified as a Variant of Uncertain Significance.

NM_024537.4(CARS2):c.262C>T (p.Leu88Phe)

Gene: CARS2 (cysteinyl-tRNA synthetase 2, mitochondrial; minus strand). Cytogenetic location: 13q34.
Variant type: single nucleotide variant.
Coding change: c.262C>T on transcript NM_024537.4 (MANE Select); coding-DNA position 262, C replaced by T.
Protein change: p.Leu88Phe; replaces leucine 88 with phenylalanine.
Molecular consequence: missense variant. On other transcripts: 5 prime UTR variant (1), non-coding transcript variant (2).
Genome position (GRCh38, 1-based): chr13:110,705,534, G>A on the plus strand (C>T on the coding strand, the complement: CARS2 is on the minus strand). VCF-style: chr13-110705534-G-A. GRCh37 (hg19) VCF-style: chr13-111357881-G-A.
Other names: c.-738C>T (NM_001352252.2); c.262C>T, p.Leu88Phe (NM_001352253.3); short protein forms L88F.
Identifiers: ClinVar variation 964562 (VCV000964562.1), dbSNP rs1450978669, ClinGen allele CA388742264.